The following is an entry in ClinVar:

NM_001006658.3(CR2):c.1225G>A (p.Glu409Lys)

Genes: CR2 (complement C3d receptor 2; plus strand), LOC126805994 (BRD4-independent group 4 enhancer GRCh37_chr1:207642622-207643821; plus strand). Cytogenetic location: 1q32.2.
Variant type: single nucleotide variant.
Coding change: c.1225G>A on transcript NM_001006658.3 (MANE Select); coding-DNA position 1225, G replaced by A.
Protein change: p.Glu409Lys; replaces glutamic acid 409 with lysine.
Molecular consequence: missense variant.
Genome position (GRCh38, 1-based): chr1:207,470,102, G>A. VCF-style: chr1-207470102-G-A. GRCh37 (hg19) VCF-style: chr1-207643447-G-A.
Other names: c.1225G>A, p.Glu409Lys (NM_001877.5); short protein forms E409K.
Identifiers: ClinVar variation 1992877 (VCV001992877.4), dbSNP rs2527215689, ClinGen allele CA344529472.
Genomic context (GRCh38, chr1:207,470,102, plus strand): 5'-AAGCAAATCCGATGCAATGCCCAAGGCACATGGGAGCCATCTGCACCAGTCTGTGAAAAG[G>A]GTGAGTGTTCCGGTACTCAGAAAAGGTGCTTCTGATTCGTTTCTGAAAAATTAGAAGAAG-3'
Protein context (NP_001006659.1, residues 399-419): WEPSAPVCEK[Glu409Lys]CQAPPNILNG

ClinVar aggregate classification (germline): Uncertain significance (1 of 4 stars; one submission).

Conditions:
Immunodeficiency, common variable, 7. Identifiers: Orphanet 1572, Orphanet 696894, MedGen C3542922, MONDO:0013862, OMIM 614699.

Allele frequency attached by ClinVar (database versions not stated): gnomAD exomes below 0.00001.
gnomAD v4.1: 1 of 1,613,454 alleles (0.000062%); highest among the groups gnomAD compares: Non-Finnish European, 0.000085%; no homozygotes.

Submission:

Labcorp Genetics (formerly Invitae), Labcorp
Classification: Uncertain significance for Immunodeficiency, common variable, 7. Last evaluated: 2022-05-10. Review status: criteria provided, single submitter. Criteria: Invitae Variant Classification Sherloc (09022015). Collection method: clinical testing. Allele origin: germline.
Comment: In summary, the available evidence is currently insufficient to determine the role of this variant in disease. Therefore, it has been classified as a Variant of Uncertain Significance. Variants that disrupt the consensus splice site are a relatively common cause of aberrant splicing (PMID: 17576681, 9536098). Algorithms developed to predict the effect of missense changes on protein structure and function are either unavailable or do not agree on the potential impact of this missense change (SIFT: "Tolerated"; PolyPhen-2: "Possibly Damaging"; Align-GVGD: "Class C0"). This variant has not been reported in the literature in individuals affected with CR2-related conditions. This variant is not present in population databases (gnomAD no frequency). This sequence change replaces glutamic acid, which is acidic and polar, with lysine, which is basic and polar, at codon 409 of the CR2 protein (p.Glu409Lys). This variant also falls at the last nucleotide of exon 6, which is part of the consensus splice site for this exon.

Literature cited by the submitters: PubMed 17576681; PubMed 9536098.